The following is an entry in ClinVar:

NM_000719.7(CACNA1C):c.5419G>A (p.Val1807Met)

Genes: CACNA1C (calcium voltage-gated channel subunit alpha1 C; plus strand), CACNA1C-AS1 (CACNA1C antisense RNA 1; minus strand). Cytogenetic location: 12p13.33.
Variant type: single nucleotide variant.
Coding change: c.5419G>A on transcript NM_000719.7 (MANE Select); coding-DNA position 5419, G replaced by A.
Protein change: p.Val1807Met; replaces valine 1807 with methionine.
Molecular consequence: missense variant.
Genome position (GRCh38, 1-based): chr12:2,679,771, G>A. VCF-style: chr12-2679771-G-A. GRCh37 (hg19) VCF-style: chr12-2788937-G-A.
Other names: c.5563G>A, p.Val1855Met (NM_001129827.2, NM_199460.4); c.5542G>A, p.Val1848Met (NM_001129829.2); c.5419G>A, p.Val1807Met (NM_001129830.3, NM_001129840.2, NM_001129841.2 and 4 more transcripts); c.5503G>A, p.Val1835Met (NM_001129831.2); c.5479G>A, p.Val1827Met (NM_001129832.2); c.5476G>A, p.Val1826Met (NM_001129833.2, NM_001129834.2, NM_001129835.2); c.5470G>A, p.Val1824Met (NM_001129836.2); c.5443G>A, p.Val1815Met (NM_001129837.2, NM_001129838.2); and 3 more; short protein forms V1796M, V1807M, V1827M, V1855M, V1813M, V1826M, V1848M, V1815M.
Identifiers: ClinVar variation 1402286 (VCV001402286.7), dbSNP rs1474889407, ClinGen allele CA383379271.

ClinVar aggregate classification (germline): Uncertain significance (1 of 4 stars; one submission).

Conditions:
Long QT syndrome (LQTS). Identifiers: MedGen C0023976, MeSH D008133, MONDO:0002442. Disease mechanism: loss of function. Inheritance: Various modes of inheritance.

Allele frequency attached by ClinVar (database versions not stated): TOPMed below 0.00001; gnomAD exomes 0.00001.
gnomAD v4.1: 5 of 1,578,946 alleles (0.00032%); highest among the groups gnomAD compares: Non-Finnish European, 0.00017%; no homozygotes.

Submission:

Labcorp Genetics (formerly Invitae), Labcorp
Classification: Uncertain significance for Long QT syndrome. Last evaluated: 2024-03-01. Review status: criteria provided, single submitter. Criteria: Invitae Variant Classification Sherloc (09022015). Collection method: clinical testing. Allele origin: germline.
Comment: This sequence change replaces valine, which is neutral and non-polar, with methionine, which is neutral and non-polar, at codon 1807 of the CACNA1C protein (p.Val1807Met). The frequency data for this variant in the population databases is considered unreliable, as metrics indicate poor data quality at this position in the gnomAD database. This variant has not been reported in the literature in individuals affected with CACNA1C-related conditions. ClinVar contains an entry for this variant (Variation ID: 1402286). Advanced modeling of protein sequence and biophysical properties (such as structural, functional, and spatial information, amino acid conservation, physicochemical variation, residue mobility, and thermodynamic stability) performed at Invitae indicates that this missense variant is not expected to disrupt CACNA1C protein function with a negative predictive value of 95%. In summary, the available evidence is currently insufficient to determine the role of this variant in disease. Therefore, it has been classified as a Variant of Uncertain Significance.